The following is an entry in ClinVar:

ClinVar aggregate classification (germline): Uncertain significance (1 of 4 stars; one submission).

Conditions:
Familial episodic pain syndrome with predominantly lower limb involvement. Also called: Episodic pain syndrome, familial, 3. Identifiers: Orphanet 391384, Orphanet 391392, MedGen C3809899, MONDO:0014247, OMIM 615552.
Hereditary sensory and autonomic neuropathy type 7. Also called: Neuropathy, hereditary sensory and autonomic, type VII; HSAN VII. Identifiers: Orphanet 391397, MedGen C3809882, MONDO:0014244, OMIM 615548.

Submission:

Labcorp Genetics (formerly Invitae), Labcorp
Classification: Uncertain significance for Familial episodic pain syndrome with predominantly lower limb involvement; Hereditary sensory and autonomic neuropathy type 7. Last evaluated: 2023-09-08. Review status: criteria provided, single submitter. Criteria: Invitae Variant Classification Sherloc (09022015). Collection method: clinical testing. Allele origin: germline.
Comment: In summary, the available evidence is currently insufficient to determine the role of this variant in disease. Therefore, it has been classified as a Variant of Uncertain Significance. Algorithms developed to predict the effect of sequence changes on RNA splicing suggest that this variant may disrupt the consensus splice site. This variant has not been reported in the literature in individuals affected with SCN11A-related conditions. This variant is present in population databases (no rsID available, gnomAD no frequency). This sequence change creates a premature translational stop signal (p.Gly1319Valfs*7) in the SCN11A gene. It is expected to result in an absent or disrupted protein product. However, the current clinical and genetic evidence is not sufficient to establish whether loss-of-function variants in SCN11A cause disease.

NM_001349253.2(SCN11A):c.3956del (p.Gly1319fs)

Gene: SCN11A (sodium voltage-gated channel alpha subunit 11; minus strand). Cytogenetic location: 3p22.2.
Variant type: Deletion.
Coding change: c.3956del on transcript NM_001349253.2 (MANE Select); coding-DNA position 3956, one base deleted (G; older notation c.3956delG).
Protein change: p.Gly1319fs; shifts the reading frame from glycine 1319.
Molecular consequence: frameshift variant.
Genome position (GRCh38, 1-based): chr3:38,863,295, C deleted on the plus strand (G on the coding strand, the reverse complement: SCN11A is on the minus strand); the first of 2 consecutive C bases (chr3:38,863,295-38,863,296); deleting either gives the same sequence. VCF-style (leftmost placement, unchanged base first): chr3-38863294-AC-A. GRCh37 (hg19) VCF-style: chr3-38904785-AC-A.
Other names: c.3956del, p.Gly1319fs (NM_014139.3); short protein forms G1319fs.
Identifiers: ClinVar variation 2924701 (VCV002924701.3), dbSNP rs1347075787, ClinGen allele CA542282374.
Genomic context (GRCh38, chr3:38,863,294, plus strand): 5'-TAATTTTTTCATTGCATTATAGTATTTCTTCTGTTCTTCTGTCATAAAAATGTCTTGGCC[AC>A]CTAAGTATATGGAGAAGATAAGAGCTAATTACCTTTAACAGTTTTTTTTTTAATCTAGTT-3'